The following is an entry in ClinVar:

NM_000388.4(CASR):c.155A>G (p.Lys52Arg)

Gene: CASR (calcium sensing receptor; plus strand). Cytogenetic location: 3q21.1.
Variant type: single nucleotide variant.
Coding change: c.155A>G on transcript NM_000388.4 (MANE Select); coding-DNA position 155, A replaced by G.
Protein change: p.Lys52Arg; replaces lysine 52 with arginine.
Molecular consequence: missense variant.
Genome position (GRCh38, 1-based): chr3:122,254,344, A>G. VCF-style: chr3-122254344-A-G. GRCh37 (hg19) VCF-style: chr3-121973191-A-G.
Other names: c.155A>G, p.Lys52Arg (NM_001178065.2); short protein forms K52R.
Identifiers: ClinVar variation 532606 (VCV000532606.10), dbSNP rs1553765922, ClinGen allele CA354362249.

ClinVar aggregate classification (germline): Uncertain significance (1 of 4 stars; one submission).

Conditions:
Familial hypocalciuric hypercalcemia (FHH). Also called: Familial benign hypercalcemia. Identifiers: Orphanet 405, MedGen C1809471, MONDO:0018458.
Autosomal dominant hypocalcemia 1 (HYPOC1). Also called: HYPOCALCEMIA, FAMILIAL. Identifiers: MedGen C3715128, MONDO:0011013, OMIM 601198.

Allele frequency attached by ClinVar (database versions not stated): gnomAD exomes below 0.00001.
gnomAD v4.1: 1 of 1,614,136 alleles (0.000062%); highest among the groups gnomAD compares: Non-Finnish European, 0.000085%; no homozygotes.

Submission:

Labcorp Genetics (formerly Invitae), Labcorp
Classification: Uncertain significance for Familial hypocalciuric hypercalcemia; Autosomal dominant hypocalcemia 1. Last evaluated: 2025-11-01. Review status: criteria provided, single submitter. Criteria: Invitae Variant Classification Sherloc (09022015). Collection method: clinical testing. Allele origin: germline.
Comment: This sequence change replaces lysine, which is basic and polar, with arginine, which is basic and polar, at codon 52 of the CASR protein (p.Lys52Arg). This variant is not present in population databases (gnomAD no frequency). This variant has not been reported in the literature in individuals affected with CASR-related conditions. ClinVar contains an entry for this variant (Variation ID: 532606). An algorithm developed to predict the effect of missense changes on protein structure and function (PolyPhen-2) suggests that this variant is likely to be tolerated. In summary, the available evidence is currently insufficient to determine the role of this variant in disease. Therefore, it has been classified as a Variant of Uncertain Significance.